The following is an entry in ClinVar:

ClinVar aggregate classification (germline): Uncertain significance (1 of 4 stars; one submission).

Submission:

Ambry Genetics
Classification: Uncertain significance. Last evaluated: 2026-09-14. Review status: criteria provided, single submitter. Criteria: Ambry Variant Classification Scheme 2023. Collection method: clinical testing. Allele origin: germline.
Comment: The p.P57A variant (also known as c.169C>G), located in coding exon 2 of the GFI1 gene, results from a C to G substitution at nucleotide position 169. The proline at codon 57 is replaced by alanine, an amino acid with highly similar properties. This amino acid position is conserved. In addition, this alteration is predicted to be tolerated by in silico analysis. Based on the available evidence, the clinical significance of this variant remains unclear.

NM_005263.5(GFI1):c.169C>G (p.Pro57Ala)

Gene: GFI1 (growth factor independent 1 transcriptional repressor; minus strand). Cytogenetic location: 1p22.1.
Variant type: single nucleotide variant.
Coding change: c.169C>G on transcript NM_005263.5 (MANE Select); coding-DNA position 169, C replaced by G.
Protein change: p.Pro57Ala; replaces proline 57 with alanine.
Molecular consequence: missense variant.
Genome position (GRCh38, 1-based): chr1:92,482,993, G>C on the plus strand (C>G on the coding strand, the complement: GFI1 is on the minus strand). VCF-style: chr1-92482993-G-C. GRCh37 (hg19) VCF-style: chr1-92948550-G-C.
Other names: c.169C>G, p.Pro57Ala (NM_001127215.3, NM_001127216.3); short protein forms P57A.
Identifiers: ClinVar variation 5022409 (VCV005022409.1).
Genomic context (GRCh38, chr1:92,482,993, plus strand): 5'-CTTCGCAGCTGTCTGGGGATGCGGAGGCTCTGTCTGGGGCTTCGGTCAGCTGCGATTCGG[G>C]GGACAAACGGTCCCGGGGCTCCGCCTTCGCCCCGCCTGCATTTGAAGTGCTGTCTGCAAA-3'
Protein context (NP_005254.2, residues 47-67): AKAEPRDRLS[Pro57Ala]ESQLTEAPDR